The following is an entry in ClinVar:

ClinVar aggregate classification (germline): Uncertain significance (1 of 4 stars; one submission).

Submission:

Labcorp Genetics (formerly Invitae), Labcorp
Classification: Uncertain significance. Last evaluated: 2024-08-31. Review status: criteria provided, single submitter. Criteria: Invitae Variant Classification Sherloc (09022015). Collection method: clinical testing. Allele origin: germline.
Comment: This sequence change replaces histidine, which is basic and polar, with proline, which is neutral and non-polar, at codon 284 of the HPS4 protein (p.His284Pro). This variant is not present in population databases (gnomAD no frequency). This variant has not been reported in the literature in individuals affected with HPS4-related conditions. An algorithm developed to predict the effect of missense changes on protein structure and function outputs the following: PolyPhen-2: "Benign". The proline amino acid residue is found in multiple mammalian species, which suggests that this missense change does not adversely affect protein function. In summary, the available evidence is currently insufficient to determine the role of this variant in disease. Therefore, it has been classified as a Variant of Uncertain Significance.

NM_022081.6(HPS4):c.851A>C (p.His284Pro)

Gene: HPS4 (HPS4 biogenesis of lysosomal organelles complex 3 subunit 2; minus strand). Cytogenetic location: 22q12.1.
Variant type: single nucleotide variant.
Coding change: c.851A>C on transcript NM_022081.6 (MANE Select); coding-DNA position 851, A replaced by C.
Protein change: p.His284Pro; replaces histidine 284 with proline.
Molecular consequence: missense variant. On other transcripts: non-coding transcript variant (8).
Genome position (GRCh38, 1-based): chr22:26,464,779, T>G on the plus strand (A>C on the coding strand, the complement: HPS4 is on the minus strand). VCF-style: chr22-26464779-T-G. GRCh37 (hg19) VCF-style: chr22-26860745-T-G.
Other names: c.836A>C, p.His279Pro (NM_152841.2); c.851A>C, p.His284Pro (NM_001349896.1, NM_001349898.2, NM_001349899.2 and 5 more transcripts); c.905A>C, p.His302Pro (NM_001349900.2, NM_001349901.1); short protein forms H284P, H302P, H279P.
Identifiers: ClinVar variation 3669911 (VCV003669911.2).